The following is an entry in ClinVar:

NM_017654.4(SAMD9):c.3341C>A (p.Pro1114His)

Gene: SAMD9 (sterile alpha motif domain containing 9; minus strand). Cytogenetic location: 7q21.2.
Variant type: single nucleotide variant.
Coding change: c.3341C>A on transcript NM_017654.4 (MANE Select); coding-DNA position 3341, C replaced by A.
Protein change: p.Pro1114His; replaces proline 1114 with histidine.
Molecular consequence: missense variant.
Genome position (GRCh38, 1-based): chr7:93,102,757, G>T on the plus strand (C>A on the coding strand, the complement: SAMD9 is on the minus strand). VCF-style: chr7-93102757-G-T. GRCh37 (hg19) VCF-style: chr7-92732070-G-T.
Other names: c.3341C>A (NM_017654.3); c.3341C>A, p.Pro1114His (NM_001193307.2); short protein forms P1114H.
Identifiers: ClinVar variation 1469152 (VCV001469152.9), dbSNP rs909485395, ClinGen allele CA368185793.

ClinVar aggregate classification (germline): Uncertain significance. Review status: criteria provided, multiple submitters, no conflicts (2 of 4 stars). 2 submissions from 2 submitters: Uncertain significance (2). Last evaluated 2024-03-26.

Submissions (2):

GeneDx
Classification: Uncertain significance. Last evaluated: 2024-03-26. Review status: criteria provided, single submitter. Criteria: GeneDx Variant Classification Process June 2021. Collection method: clinical testing. Allele origin: germline. Affected: yes.
Comment: Not observed at significant frequency in large population cohorts (gnomAD); In silico analysis supports that this missense variant has a deleterious effect on protein structure/function; Has not been previously published as pathogenic or benign to our knowledge; This variant is associated with the following publications: (PMID: 28545555)

Labcorp Genetics (formerly Invitae), Labcorp
Classification: Uncertain significance. Last evaluated: 2021-05-08. Review status: criteria provided, single submitter. Criteria: Invitae Variant Classification Sherloc (09022015). Collection method: clinical testing. Allele origin: germline.
Comment: In summary, the available evidence is currently insufficient to determine the role of this variant in disease. Therefore, it has been classified as a Variant of Uncertain Significance. Algorithms developed to predict the effect of missense changes on protein structure and function are either unavailable or do not agree on the potential impact of this missense change (SIFT: "Deleterious"; PolyPhen-2: "Possibly Damaging"; Align-GVGD: "Class C0"). This variant has not been reported in the literature in individuals with SAMD9-related conditions. This variant is not present in population databases (ExAC no frequency). This sequence change replaces proline with histidine at codon 1114 of the SAMD9 protein (p.Pro1114His). The proline residue is highly conserved and there is a moderate physicochemical difference between proline and histidine.